The following is an entry in ClinVar:

NM_021913.5(AXL):c.854C>T (p.Ser285Leu)

Gene: AXL (AXL receptor tyrosine kinase; plus strand). Cytogenetic location: 19q13.2.
Variant type: single nucleotide variant.
Coding change: c.854C>T on transcript NM_021913.5 (MANE Select); coding-DNA position 854, C replaced by T.
Protein change: p.Ser285Leu; replaces serine 285 with leucine.
Molecular consequence: missense variant.
Genome position (GRCh38, 1-based): chr19:41,238,014, C>T. VCF-style: chr19-41238014-C-T. GRCh37 (hg19) VCF-style: chr19-41743919-C-T.
Other names: c.50C>T, p.Ser17Leu (NM_001278599.2); c.854C>T, p.Ser285Leu (NM_001699.6); short protein forms S17L, S285L.
Identifiers: ClinVar variation 2332697 (VCV002332697.3), dbSNP rs201003955, ClinGen allele CA9458098.

ClinVar aggregate classification (germline): Conflicting classifications of pathogenicity. Review status: criteria provided, conflicting classifications (1 of 4 stars). 2 submissions from 2 submitters: Uncertain significance (1); Likely benign (1). Last evaluated 2025-10-23.

Allele frequency attached by ClinVar (database versions not stated): TOPMed 0.00001; ExAC 0.00002; gnomAD 0.00003; 1000 Genomes Project 30x 0.00016; 1000 Genomes Project 0.00020.
gnomAD v4.1: 12 of 1,613,954 alleles (0.00074%); highest among the groups gnomAD compares: Middle Eastern, 0.016%; no homozygotes.

Submissions (2):

Labcorp Genetics (formerly Invitae), Labcorp
Classification: Uncertain significance. Last evaluated: 2025-10-23. Review status: criteria provided, single submitter. Criteria: Invitae Variant Classification Sherloc (09022015). Collection method: clinical testing. Allele origin: germline.
Comment: This sequence change replaces serine, which is neutral and polar, with leucine, which is neutral and non-polar, at codon 285 of the AXL protein (p.Ser285Leu). This variant is present in population databases (rs201003955, gnomAD 0.003%). This variant has not been reported in the literature in individuals affected with AXL-related conditions. ClinVar contains an entry for this variant (Variation ID: 2332697). Invitae Evidence Modeling of protein sequence and biophysical properties (such as structural, functional, and spatial information, amino acid conservation, physicochemical variation, residue mobility, and thermodynamic stability) indicates that this missense variant is not expected to disrupt AXL protein function with a negative predictive value of 80%. In summary, the available evidence is currently insufficient to determine the role of this variant in disease. Therefore, it has been classified as a Variant of Uncertain Significance.

Ambry Genetics
Classification: Likely benign. Last evaluated: 2022-12-05. Review status: criteria provided, single submitter. Criteria: Ambry Variant Classification Scheme 2023. Collection method: clinical testing. Allele origin: germline.